The following is an entry in ClinVar:

NM_001100913.3(PACS2):c.660+9G>C

Gene: PACS2 (phosphofurin acidic cluster sorting protein 2; plus strand). Cytogenetic location: 14q32.33.
Variant type: single nucleotide variant.
Coding change: c.660+9G>C on transcript NM_001100913.3 (MANE Select); 9 bases into the intron after coding-DNA position 660, G replaced by C.
Molecular consequence: intron variant.
Genome position (GRCh38, 1-based): chr14:105,368,156, G>C. VCF-style: chr14-105368156-G-C. GRCh37 (hg19) VCF-style: chr14-105834493-G-C.
Other names: c.459+9G>C (NM_001243127.3); c.660+9G>C (NM_015197.4).
Identifiers: ClinVar variation 3896365 (VCV003896365.2).
Genomic context (GRCh38, chr14:105,368,156, plus strand): 5'-TGAGAGCTTCTCCTCCGAGCAGGAGGCCAGTGACGACGCCGTGCAGGGGCAGGTGACCTG[G>C]GGCCGGGGCTCCGCGCCCTCTCCTGGCTCACACCGGGTGTCCTGGGGTCTGTGGGGTCCT-3'

ClinVar aggregate classification (germline): Likely benign (1 of 4 stars; one submission).

gnomAD v4.1: 19 of 1,596,248 alleles (0.0012%); highest among the groups gnomAD compares: Non-Finnish European, 0.0015%; no homozygotes.

Submission:

Women's Health and Genetics/Laboratory Corporation of America, LabCorp
Classification: Likely benign. Last evaluated: 2025-04-09. Review status: criteria provided, single submitter. Criteria: LabCorp Variant Classification Summary - May 2015. Collection method: clinical testing. Allele origin: germline.
Comment: Variant summary: PACS2 c.660+9G>C alters a nucleotide located at a position not widely known to affect splicing. Consensus agreement among computation tools predict no significant impact on normal splicing. However, these predictions have yet to be confirmed by functional studies. The variant was absent in 244034 control chromosomes (gnomAD). The available data on variant occurrences in the general population are insufficient to allow any conclusion about variant significance. To our knowledge, no occurrence of c.660+9G>C in individuals affected with Developmental And Epileptic Encephalopathy, 66 and no experimental evidence demonstrating its impact on protein function have been reported. No submitters have cited clinical-significance assessments for this variant to ClinVar. Based on the evidence outlined above, the variant was classified as likely benign.